The following is an entry in ClinVar:

ClinVar aggregate classification (germline): Likely benign. Review status: criteria provided, multiple submitters, no conflicts (2 of 4 stars). 4 submissions from 4 submitters: Likely benign (4). Last evaluated 2026-01-24.

Conditions:
Early Myoclonic Encephalopathy. Identifiers: MedGen C0270855.

Allele frequency attached by ClinVar (database versions not stated): 1000 Genomes Project 30x 0.00031; ESP Exome Variant Server 0.00031; ExAC 0.00037; 1000 Genomes Project 0.00040; TOPMed 0.00042; gnomAD exomes 0.00043 and 0.00085; gnomAD 0.00046 and 0.00047.
gnomAD v4.1: 1,299 of 1,614,008 alleles (0.08%); highest among the groups gnomAD compares: Non-Finnish European, 0.1%; 1 homozygote.

Submissions (4):

Labcorp Genetics (formerly Invitae), Labcorp
Classification: Likely benign for Early Myoclonic Encephalopathy. Last evaluated: 2026-01-24. Review status: criteria provided, single submitter. Criteria: Invitae Variant Classification Sherloc (09022015). Collection method: clinical testing. Allele origin: germline.

CeGaT Center for Human Genetics Tuebingen
Classification: Likely benign. Last evaluated: 2026-01-01. Review status: criteria provided, single submitter. Criteria: CeGaT Center For Human Genetics Tuebingen Variant Classification Criteria Version 2. Collection method: clinical testing. Allele origin: germline. Affected: yes. Observed: 2 variant alleles.
Comment: KCND2: BS2

Blueprint Genetics
Classification: Likely benign. Last evaluated: 2024-11-27. Review status: criteria provided, single submitter. Criteria: ACMG Guidelines, 2015. Collection method: clinical testing. Allele origin: germline.

Breakthrough Genomics
Classification: Likely benign. Review status: criteria provided, single submitter. Criteria: ACMG Guidelines, 2015. Collection method: not provided. Allele origin: germline. Inheritance: Unknown mechanism. Affected: yes.

NM_012281.3(KCND2):c.216G>A (p.Arg72=)

Gene: KCND2 (potassium voltage-gated channel subfamily D member 2; plus strand). Cytogenetic location: 7q31.31.
Variant type: single nucleotide variant.
Coding change: c.216G>A on transcript NM_012281.3 (MANE Select); coding-DNA position 216, G replaced by A.
Protein change: p.Arg72=; no amino-acid change (arginine 72 retained).
Molecular consequence: synonymous variant.
Genome position (GRCh38, 1-based): chr7:120,274,848, G>A. VCF-style: chr7-120274848-G-A. GRCh37 (hg19) VCF-style: chr7-119914902-G-A.
Identifiers: ClinVar variation 460201 (VCV000460201.21), dbSNP rs140949631, ClinGen allele CA4453477.
Genomic context (GRCh38, chr7:120,274,848, plus strand): 5'-CCAGACGTGGCAGGACACCCTGGAACGTTACCCAGACACTCTACTGGGCAGTTCTGAGAG[G>A]GACTTTTTCTACCACCCAGAAACTCAGCAGTATTTCTTTGACCGTGACCCAGACATCTTC-3'
Protein context (NP_036413.1, residues 62-82): YPDTLLGSSE[Arg72=]DFFYHPETQQ